The following is an entry in ClinVar:

NM_138694.4(PKHD1):c.9830-1G>A

Gene: PKHD1 (PKHD1 ciliary IPT domain containing fibrocystin/polyductin; minus strand). Cytogenetic location: 6p12.3.
Variant type: single nucleotide variant.
Coding change: c.9830-1G>A on transcript NM_138694.4 (MANE Select); the canonical splice acceptor site of the intron before coding-DNA position 9830, G replaced by A.
Molecular consequence: splice acceptor variant.
Genome position (GRCh38, 1-based): chr6:51,746,890, C>T on the plus strand (G>A on the coding strand, the complement: PKHD1 is on the minus strand). VCF-style: chr6-51746890-C-T. GRCh37 (hg19) VCF-style: chr6-51611688-C-T.
Other names: c.9830-1G>A (NM_170724.3, NM_138694.3).
Identifiers: ClinVar variation 2677806 (VCV002677806.2), dbSNP rs2533781057, ClinGen allele CA364419831.

ClinVar aggregate classification (germline): Likely pathogenic. Review status: criteria provided, multiple submitters, no conflicts (2 of 4 stars). 2 submissions from 2 submitters: Likely pathogenic (2). Last evaluated 2025-08-04.

Conditions:
Autosomal recessive polycystic kidney disease (ARPKD). Also called: AR polycystic kidney disease. Identifiers: Orphanet 731, Orphanet 8378, MedGen C0085548, MeSH D017044, MONDO:0009889.
Polycystic kidney disease 4 (PKD4). Also called: POLYCYSTIC KIDNEY AND HEPATIC DISEASE 1; POLYCYSTIC KIDNEY DISEASE, INFANTILE, TYPE I; PKD3; POLYCYSTIC KIDNEY DISEASE 4 WITH OR WITHOUT POLYCYSTIC LIVER DISEASE; Autosomal Recessive Polycystic Kidney Disease – PKHD1. Identifiers: MedGen C4540575, MONDO:0033004, OMIM 263200.

Submissions (2):

Natera, Inc.
Classification: Likely pathogenic for Autosomal recessive polycystic kidney disease. Last evaluated: 2025-08-04. Review status: criteria provided, single submitter. Criteria: Natera Variant Classification Schema (03/2026). Collection method: clinical testing. Allele origin: germline.
Comment: The c.9830-1G>A variant in PKHD1 is a canonical splice acceptor site variant predicted to affect pre-mRNA splicing, which may result in an abnormal transcript and altered protein product. This variant is expected to result in nonsense mediated decay, truncation, or a dysfunctional protein product. This variant is rare in the general population with a frequency below the threshold expected for the associated phenotype(s). Given the available evidence, this variant is classified as Likely Pathogenic.

Baylor Genetics
Classification: Likely pathogenic for Polycystic kidney disease 4. Last evaluated: 2023-06-06. Review status: criteria provided, single submitter. Criteria: ACMG Guidelines, 2015. Collection method: clinical testing. Allele origin: unknown.